The following is an entry in ClinVar:

ClinVar aggregate classification (germline): Uncertain significance (1 of 4 stars; one submission).

Conditions:
Wilson disease (WND). Also called: Wilson's disease. Identifiers: Orphanet 905, MedGen C0019202, MONDO:0010200, OMIM 277900. Disease mechanism: loss of function.

gnomAD v4.1: 1 of 1,554,660 alleles (0.000064%); highest among the groups gnomAD compares: Non-Finnish European, 0.000089%; no homozygotes.

Submission:

Lildballe Lab, Aarhus University Hospital
Classification: Uncertain significance for Wilson disease. Last evaluated: 2024-08-29. Review status: criteria provided, single submitter. Criteria: ACMG Guidelines, 2015. Collection method: clinical testing. Allele origin: germline. Affected: yes.
Comment: PM2

NM_000053.4(ATP7B):c.1870-41C>G

Gene: ATP7B (ATPase copper transporting beta; minus strand). Cytogenetic location: 13q14.3.
Variant type: single nucleotide variant.
Coding change: c.1870-41C>G on transcript NM_000053.4 (MANE Select); 41 bases into the intron before coding-DNA position 1870, C replaced by G.
Molecular consequence: intron variant.
Genome position (GRCh38, 1-based): chr13:51,961,954, G>C on the plus strand (C>G on the coding strand, the complement: ATP7B is on the minus strand). VCF-style: chr13-51961954-G-C. GRCh37 (hg19) VCF-style: chr13-52536090-G-C.
Other names: c.1708-4347C>G (NM_001406545.1, NM_001406547.1); c.1869+2918C>G (NM_001005918.3, NM_001406546.1, NM_001406542.1 and 5 more transcripts); c.1870-41C>G (NM_001406534.1, NM_001406538.1, NM_001330578.2 and 16 more transcripts); c.1774-41C>G (NM_001406518.1, NM_001406536.1, NM_001406530.1 and 1 more transcripts); c.1441-41C>G (NM_001406539.1); c.1773+2918C>G (NM_001406544.1, NM_001406543.1); c.1537-41C>G (NM_001243182.2); c.1286-11793C>G (NM_001406548.1); and 1 more.
Identifiers: ClinVar variation 4540625 (VCV004540625.1).
Genomic context (GRCh38, chr13:51,961,954, plus strand): 5'-GAAGCATGAAAGCCAATTTCCTTGTCATTAAAAAGAGAGGGGTGGGGAAAAAGGAGGAAG[G>C]TACTTGGTTAAAATATGCATTGGCAGAAAGCACTTTTCAGCTTTGGAAATTAGAAAGTGA-3'